The following is an entry in ClinVar:

NM_000092.5(COL4A4):c.5030G>A (p.Arg1677His)

Gene: COL4A4 (collagen type IV alpha 4 chain; minus strand). Cytogenetic location: 2q36.3.
Variant type: single nucleotide variant.
Coding change: c.5030G>A on transcript NM_000092.5 (MANE Select); coding-DNA position 5030, G replaced by A.
Protein change: p.Arg1677His; replaces arginine 1677 with histidine.
Molecular consequence: missense variant.
Genome position (GRCh38, 1-based): chr2:227,007,368, C>T on the plus strand (G>A on the coding strand, the complement: COL4A4 is on the minus strand). VCF-style: chr2-227007368-C-T. GRCh37 (hg19) VCF-style: chr2-227872084-C-T.
Other names: short protein forms R1677H.
Identifiers: ClinVar variation 2574955 (VCV002574955.3), dbSNP rs754121251, ClinGen allele CA2143994.
Genomic context (GRCh38, chr2:227,007,368, plus strand): 5'-GGTGAATTTCGCATTCTCTAGCTATACTTCACGCAGACCTGGCACCGGCTGATTTTCTGG[C>T]GTTGGGCCTGGCTTTCTTTTAAGGTGTCTGGTGCTGGAGCAGAGGAAAACTGCAAGTCTG-3'
Protein context (NP_000083.3, residues 1667-1687): PDTLKESQAQ[Arg1677His]QKISRCQVCV

ClinVar aggregate classification (germline): Uncertain significance. Review status: criteria provided, multiple submitters, no conflicts (2 of 4 stars). 2 submissions from 2 submitters: Uncertain significance (2). Last evaluated 2025-12-16.

Conditions:
COL4A4-related disorder.

Allele frequency attached by ClinVar (database versions not stated): ExAC 0.00003; gnomAD exomes 0.00001.
gnomAD v4.1: 17 of 1,614,226 alleles (0.0011%); highest among the groups gnomAD compares: African/African-American, 0.004%; no homozygotes.

Submissions (2):

GeneDx
Classification: Uncertain significance. Last evaluated: 2025-12-16. Review status: criteria provided, single submitter. Criteria: GeneDx Variant Classification Process June 2021. Collection method: clinical testing. Allele origin: germline. Affected: yes.
Comment: In silico analysis supports that this missense variant does not alter protein structure/function; Has not been previously published as pathogenic or benign to our knowledge

PreventionGenetics, part of Exact Sciences
Classification: Uncertain significance for COL4A4-related condition. Last evaluated: 2022-12-29. Review status: criteria provided, single submitter. Criteria: ACMG Guidelines, 2015. Collection method: clinical testing. Allele origin: germline.
Comment: The COL4A4 c.5030G>A variant is predicted to result in the amino acid substitution p.Arg1677His. To our knowledge, this variant has not been reported in the literature. This variant is reported in 0.0056% of alleles in individuals of East Asian descent in gnomAD. At this time, the clinical significance of this variant is uncertain due to the absence of conclusive functional and genetic evidence.